The following is an entry in ClinVar:

ClinVar aggregate classification (germline): Uncertain significance (1 of 4 stars; one submission).

Allele frequency attached by ClinVar (database versions not stated): ExAC 0.00004; gnomAD 0.00004 and 0.00005; gnomAD exomes 0.00005; TOPMed 0.00019; 1000 Genomes Project 0.00040; 1000 Genomes Project 30x 0.00047.

Submission:

Labcorp Genetics (formerly Invitae), Labcorp
Classification: Uncertain significance. Last evaluated: 2022-07-12. Review status: criteria provided, single submitter. Criteria: Invitae Variant Classification Sherloc (09022015). Collection method: clinical testing. Allele origin: germline.
Comment: This sequence change replaces arginine, which is basic and polar, with glutamine, which is neutral and polar, at codon 149 of the ADAMTSL4 protein (p.Arg149Gln). This variant is present in population databases (rs200024199, gnomAD 0.01%). This variant has not been reported in the literature in individuals affected with ADAMTSL4-related conditions. ClinVar contains an entry for this variant (Variation ID: 1354741). Algorithms developed to predict the effect of missense changes on protein structure and function are either unavailable or do not agree on the potential impact of this missense change (SIFT: "Deleterious"; PolyPhen-2: "Probably Damaging"; Align-GVGD: "Class C0"). In summary, the available evidence is currently insufficient to determine the role of this variant in disease. Therefore, it has been classified as a Variant of Uncertain Significance.

NM_019032.6(ADAMTSL4):c.446G>A (p.Arg149Gln)

Genes: ADAMTSL4 (ADAMTS like 4; plus strand), ADAMTSL4-AS2 (ADAMTSL4 antisense RNA 2; minus strand). Cytogenetic location: 1q21.2.
Variant type: single nucleotide variant.
Coding change: c.446G>A on transcript NM_019032.6 (MANE Select); coding-DNA position 446, G replaced by A.
Protein change: p.Arg149Gln; replaces arginine 149 with glutamine.
Molecular consequence: missense variant.
Genome position (GRCh38, 1-based): chr1:150,553,437, G>A. VCF-style: chr1-150553437-G-A. GRCh37 (hg19) VCF-style: chr1-150525913-G-A.
Other names: c.446G>A, p.Arg149Gln (NM_001288607.2, NM_001288608.2, NM_001378596.1 and 1 more transcripts); short protein forms R149Q.
Identifiers: ClinVar variation 1354741 (VCV001354741.3), dbSNP rs200024199, ClinGen allele CA1077963.
Genomic context (GRCh38, chr1:150,553,437, plus strand): 5'-GGTCAGAGGTGGTCAGAGCTGTGCCCCCACATCTGAAACACCTTCTCAGGTCCCGGCTTC[G>A]AGACCCCATCAAGCCAGGAATGTTCGGTTATGGGAGAGTGCCCTTTGCATTGCCACTGCA-3'
Protein context (NP_061905.2, residues 139-159): EIRAARRSRL[Arg149Gln]DPIKPGMFGY